The following is an entry in ClinVar:

NM_005219.5(DIAPH1):c.1565C>T (p.Ala522Val)

Gene: DIAPH1 (diaphanous related formin 1; minus strand). Cytogenetic location: 5q31.3.
Variant type: single nucleotide variant.
Coding change: c.1565C>T on transcript NM_005219.5 (MANE Select); coding-DNA position 1565, C replaced by T.
Protein change: p.Ala522Val; replaces alanine 522 with valine.
Molecular consequence: missense variant.
Genome position (GRCh38, 1-based): chr5:141,575,043, G>A on the plus strand (C>T on the coding strand, the complement: DIAPH1 is on the minus strand). VCF-style: chr5-141575043-G-A. GRCh37 (hg19) VCF-style: chr5-140954610-G-A.
Other names: p.Ala522Val; c.1538C>T, p.Ala513Val (NM_001079812.3); c.1565C>T, p.Ala522Val (NM_001314007.2); short protein forms A522V, A513V.
Identifiers: ClinVar variation 647693 (VCV000647693.11), dbSNP rs373896015, ClinGen allele CA3479264.
Genomic context (GRCh38, chr5:141,575,043, plus strand): 5'-GACACCTCTGCTTCCAGGTCCTGTTTCTCTGTGGCAATTTGCTGCTTTTCAGAATGCAGT[G>A]CATCTTTTTCTCCCTGAAGATCTTGAAGCTTCTGCTCAAAGTCACTTTCCATCTTTTTCA-3'
Protein context (NP_005210.3, residues 512-532): KLQDLQGEKD[Ala522Val]LHSEKQQIAT

ClinVar aggregate classification (germline): Conflicting classifications of pathogenicity. Review status: criteria provided, conflicting classifications (1 of 4 stars). 3 submissions from 3 submitters: Uncertain significance (2); Likely benign (1). Last evaluated 2025-11-06.

Conditions:
DIAPH1-related disorder. Also called: DIAPH1-related condition.
Autosomal dominant nonsyndromic hearing loss 1. Also called: DEAFNESS, AUTOSOMAL DOMINANT 1, WITH OR WITHOUT THROMBOCYTOPENIA; KONIGSMARK SYNDROME. Identifiers: Orphanet 90635, MedGen C1852282, MONDO:0007424, OMIM 124900.
Progressive microcephaly-seizures-cortical blindness-developmental delay syndrome. Also called: Seizures, cortical blindness, and microcephaly syndrome. Identifiers: Orphanet 477814, MedGen C5567650, MONDO:0014714, OMIM 616632.

Allele frequency attached by ClinVar (database versions not stated): gnomAD exomes 0.00002 and below 0.00001; ExAC 0.00003; gnomAD 0.00006 and 0.00008; TOPMed 0.00007; ESP Exome Variant Server 0.00008.
gnomAD v4.1: 15 of 1,613,994 alleles (0.00093%); highest among the groups gnomAD compares: African/African-American, 0.017%; no homozygotes.

Submissions (3):

PreventionGenetics, part of Exact Sciences
Classification: Uncertain significance for DIAPH1-related condition. Last evaluated: 2025-11-06. Review status: criteria provided, single submitter. Criteria: ACMG Guidelines, 2015. Collection method: clinical testing. Allele origin: germline.
Comment: The DIAPH1 c.1565C>T variant is predicted to result in the amino acid substitution p.Ala522Val. To our knowledge, this variant has not been reported in the literature. This variant is reported in 0.037% of alleles in individuals of African descent in gnomAD. At this time, the clinical significance of this variant is uncertain due to the absence of conclusive functional and genetic evidence.

Labcorp Genetics (formerly Invitae), Labcorp
Classification: Uncertain significance for Progressive microcephaly-seizures-cortical blindness-developmental delay syndrome; Autosomal dominant nonsyndromic hearing loss 1. Last evaluated: 2025-10-09. Review status: criteria provided, single submitter. Criteria: Invitae Variant Classification Sherloc (09022015). Collection method: clinical testing. Allele origin: germline.
Comment: This sequence change replaces alanine, which is neutral and non-polar, with valine, which is neutral and non-polar, at codon 522 of the DIAPH1 protein (p.Ala522Val). This variant is present in population databases (rs373896015, gnomAD 0.04%). This variant has not been reported in the literature in individuals affected with DIAPH1-related conditions. ClinVar contains an entry for this variant (Variation ID: 647693). Experimental studies and prediction algorithms are not available or were not evaluated, and the functional significance of this variant is currently unknown. In summary, the available evidence is currently insufficient to determine the role of this variant in disease. Therefore, it has been classified as a Variant of Uncertain Significance.

Mayo Clinic Laboratories, Mayo Clinic
Classification: Likely benign. Last evaluated: 2025-06-26. Review status: criteria provided, single submitter. Criteria: ACMG Guidelines, 2015. Collection method: clinical testing. Allele origin: germline. Observed: 1 variant allele.
Comment: BP4, PM2_supporting